The following is an entry in ClinVar:

NM_006129.5(BMP1):c.2014G>A (p.Glu672Lys)

Gene: BMP1 (bone morphogenetic protein 1; plus strand). Cytogenetic location: 8p21.3.
Variant type: single nucleotide variant.
Coding change: c.2014G>A on transcript NM_006129.5 (MANE Select); coding-DNA position 2014, G replaced by A.
Protein change: p.Glu672Lys; replaces glutamic acid 672 with lysine.
Molecular consequence: missense variant. On other transcripts: non-coding transcript variant (2).
Genome position (GRCh38, 1-based): chr8:22,197,327, G>A. VCF-style: chr8-22197327-G-A. GRCh37 (hg19) VCF-style: chr8-22054840-G-A.
Other names: c.2014G>A, p.Glu672Lys (NM_001199.4); short protein forms E672K.
Identifiers: ClinVar variation 1966212 (VCV001966212.2), dbSNP rs145735409, ClinGen allele CA173466759.

ClinVar aggregate classification (germline): Uncertain significance (1 of 4 stars; one submission).

Allele frequency attached by ClinVar (database versions not stated): gnomAD exomes 0.00001; gnomAD 0.00004; TOPMed 0.00005; ESP Exome Variant Server 0.00015.
gnomAD v4.1: 16 of 1,613,914 alleles (0.00099%); highest among the groups gnomAD compares: African/African-American, 0.013%; no homozygotes.

Submission:

Labcorp Genetics (formerly Invitae), Labcorp
Classification: Uncertain significance. Last evaluated: 2022-07-14. Review status: criteria provided, single submitter. Criteria: Invitae Variant Classification Sherloc (09022015). Collection method: clinical testing. Allele origin: germline.
Comment: This sequence change replaces glutamic acid, which is acidic and polar, with lysine, which is basic and polar, at codon 672 of the BMP1 protein (p.Glu672Lys). This variant is present in population databases (rs145735409, gnomAD 0.01%). This variant has not been reported in the literature in individuals affected with BMP1-related conditions. Algorithms developed to predict the effect of missense changes on protein structure and function (SIFT, PolyPhen-2, Align-GVGD) all suggest that this variant is likely to be disruptive. In summary, the available evidence is currently insufficient to determine the role of this variant in disease. Therefore, it has been classified as a Variant of Uncertain Significance.